The following is an entry in ClinVar:

NM_024642.5(GALNT12):c.988A>G (p.Thr330Ala)

Gene: GALNT12 (polypeptide N-acetylgalactosaminyltransferase 12; plus strand). Cytogenetic location: 9q22.33.
Variant type: single nucleotide variant.
Coding change: c.988A>G on transcript NM_024642.5 (MANE Select); coding-DNA position 988, A replaced by G.
Protein change: p.Thr330Ala; replaces threonine 330 with alanine.
Molecular consequence: missense variant.
Genome position (GRCh38, 1-based): chr9:98,835,319, A>G. VCF-style: chr9-98835319-A-G. GRCh37 (hg19) VCF-style: chr9-101597601-A-G.
Other names: short protein forms T330A.
Identifiers: ClinVar variation 2842358 (VCV002842358.3), dbSNP rs1398892655, ClinGen allele CA374219465.

ClinVar aggregate classification (germline): Uncertain significance (1 of 4 stars; one submission).

Allele frequency attached by ClinVar (database versions not stated): gnomAD exomes below 0.00001.

Submission:

Labcorp Genetics (formerly Invitae), Labcorp
Classification: Uncertain significance. Last evaluated: 2023-03-03. Review status: criteria provided, single submitter. Criteria: Invitae Variant Classification Sherloc (09022015). Collection method: clinical testing. Allele origin: germline.
Comment: In summary, the available evidence is currently insufficient to determine the role of this variant in disease. Therefore, it has been classified as a Variant of Uncertain Significance. Advanced modeling of protein sequence and biophysical properties (such as structural, functional, and spatial information, amino acid conservation, physicochemical variation, residue mobility, and thermodynamic stability) performed at Invitae indicates that this missense variant is not expected to disrupt GALNT12 protein function. This variant has not been reported in the literature in individuals affected with GALNT12-related conditions. This variant is present in population databases (no rsID available, gnomAD 0.003%). This sequence change replaces threonine, which is neutral and polar, with alanine, which is neutral and non-polar, at codon 330 of the GALNT12 protein (p.Thr330Ala).